The following is an entry in ClinVar:

NM_000486.6(AQP2):c.438C>T (p.Phe146=)

Genes: AQP5-AS1 (AQP5 and AQP2 antisense RNA 2; minus strand), AQP2 (aquaporin 2; plus strand). Cytogenetic location: 12q13.12.
Variant type: single nucleotide variant.
Coding change: c.438C>T on transcript NM_000486.6 (MANE Select); coding-DNA position 438, C replaced by T.
Protein change: p.Phe146=; no amino-acid change (phenylalanine 146 retained).
Molecular consequence: synonymous variant. On other transcripts: non-coding transcript variant (1).
Genome position (GRCh38, 1-based): chr12:49,954,232, C>T. VCF-style: chr12-49954232-C-T. GRCh37 (hg19) VCF-style: chr12-50348015-C-T.
Identifiers: ClinVar variation 35694 (VCV000035694.21), dbSNP rs143886391, ClinGen allele CA260121.
Genomic context (GRCh38, chr12:49,954,232, plus strand): 5'-GGCTGGCCAGGCGGTGACTGTGGAGCTCTTCCTGACACTGCAGCTGGTGCTCTGCATCTT[C>T]GCCTCCACCGATGAGCGCCGCGGAGAGAACCCGGGCACCCCTGCTCTCTCCATAGGCTTC-3'
Protein context (NP_000477.1, residues 136-156): FLTLQLVLCI[Phe146=]ASTDERRGEN

ClinVar aggregate classification (germline): Benign/Likely benign. Review status: criteria provided, multiple submitters, no conflicts (2 of 4 stars). 5 submissions from 5 submitters: Benign (4); Likely benign (1). Last evaluated 2026-02-01.

Conditions:
Diabetes insipidus, nephrogenic, autosomal (NDI2). Also called: Nephrogenic Diabetes Insipidus, Type II; Diabetes insipidus, nephrogenic, 2, autosomal. Identifiers: Orphanet 223, MedGen C1563706, MONDO:0007451, OMIM 125800.

Allele frequency attached by ClinVar (database versions not stated): gnomAD 0.00002; TOPMed 0.00003; ESP Exome Variant Server 0.00008; 1000 Genomes Project 30x 0.00078; 1000 Genomes Project 0.00100.
gnomAD v4.1: 1,002 of 1,605,362 alleles (0.062%); highest among the groups gnomAD compares: South Asian, 1%; 12 homozygotes.

Submissions (5):

Labcorp Genetics (formerly Invitae), Labcorp
Classification: Benign. Last evaluated: 2026-02-01. Review status: criteria provided, single submitter. Criteria: Invitae Variant Classification Sherloc (09022015). Collection method: clinical testing. Allele origin: germline.

Women's Health and Genetics/Laboratory Corporation of America, LabCorp
Classification: Benign. Last evaluated: 2024-12-06. Review status: criteria provided, single submitter. Criteria: LabCorp Variant Classification Summary - May 2015. Collection method: clinical testing. Allele origin: germline.

Genome-Nilou Lab
Classification: Benign for Diabetes insipidus, nephrogenic, autosomal. Last evaluated: 2021-12-05. Review status: criteria provided, single submitter. Criteria: ACMG Guidelines, 2015. Collection method: clinical testing. Allele origin: germline. Affected: no.

Fulgent Genetics
Classification: Likely benign for Diabetes insipidus, nephrogenic, autosomal. Last evaluated: 2021-07-19. Review status: criteria provided, single submitter. Criteria: ACMG Guidelines, 2015. Collection method: clinical testing. Allele origin: unknown.

Illumina Laboratory Services, Illumina
Classification: Benign for Diabetes insipidus, nephrogenic, autosomal. Last evaluated: 2018-01-12. Review status: criteria provided, single submitter. Criteria: ICSL Variant Classification Criteria 13 December 2019. Collection method: clinical testing. Allele origin: germline.
Comment: This variant was observed in the ICSL laboratory as part of a predisposition screen in an ostensibly healthy population. It had not been previously curated by ICSL or reported in the Human Gene Mutation Database (HGMD: prior to June 1st, 2018), and was therefore a candidate for classification through an automated scoring system. Utilizing variant allele frequency, disease prevalence and penetrance estimates, and inheritance mode, an automated score was calculated to assess if this variant is too frequent to cause the disease. Based on the score and internal cut-off values, a variant classified as benign is not then subjected to further curation. The score for this variant resulted in a classification of benign for this disease.